The following is an entry in ClinVar:

ClinVar aggregate classification (germline): Uncertain significance. Review status: criteria provided, multiple submitters, no conflicts (2 of 4 stars). 2 submissions from 2 submitters: Uncertain significance (2). Last evaluated 2023-10-04.

Conditions:
Intellectual developmental disorder, X-linked, syndromic 14. Also called: Syndromic X-linked intellectual disability 14. Identifiers: Orphanet 776, MedGen C1970822, MONDO:0010398, OMIM 300676.

Allele frequency attached by ClinVar (database versions not stated): TOPMed 0.00001; ESP Exome Variant Server 0.00009; ExAC 0.00001.

Submissions (2):

Labcorp Genetics (formerly Invitae), Labcorp
Classification: Uncertain significance for Intellectual developmental disorder, X-linked, syndromic 14. Last evaluated: 2023-10-04. Review status: criteria provided, single submitter. Criteria: Invitae Variant Classification Sherloc (09022015). Collection method: clinical testing. Allele origin: germline.
Comment: This sequence change replaces arginine, which is basic and polar, with glycine, which is neutral and non-polar, at codon 313 of the UPF3B protein (p.Arg313Gly). This variant is present in population databases (rs370487945, gnomAD 0.001%). This variant has not been reported in the literature in individuals affected with UPF3B-related conditions. ClinVar contains an entry for this variant (Variation ID: 1710635). Advanced modeling of protein sequence and biophysical properties (such as structural, functional, and spatial information, amino acid conservation, physicochemical variation, residue mobility, and thermodynamic stability) performed at Invitae indicates that this missense variant is not expected to disrupt UPF3B protein function. In summary, the available evidence is currently insufficient to determine the role of this variant in disease. Therefore, it has been classified as a Variant of Uncertain Significance.

GeneDx
Classification: Uncertain significance. Last evaluated: 2022-04-12. Review status: criteria provided, single submitter. Criteria: GeneDx Variant Classification Process June 2021. Collection method: clinical testing. Allele origin: germline. Affected: yes.
Comment: Not observed at significant frequency in large population cohorts (gnomAD); In silico analysis supports that this missense variant does not alter protein structure/function; Has not been previously published as pathogenic or benign to our knowledge

NM_080632.3(UPF3B):c.937A>G (p.Arg313Gly)

Gene: UPF3B (UPF3B regulator of nonsense mediated mRNA decay; minus strand). Cytogenetic location: Xq24.
Variant type: single nucleotide variant.
Coding change: c.937A>G on transcript NM_080632.3 (MANE Select); coding-DNA position 937, A replaced by G.
Protein change: p.Arg313Gly; replaces arginine 313 with glycine.
Molecular consequence: missense variant.
Genome position (GRCh38, 1-based): chrX:119,838,437, T>C on the plus strand (A>G on the coding strand, the complement: UPF3B is on the minus strand). VCF-style: chrX-119838437-T-C. GRCh37 (hg19) VCF-style: chrX-118972400-T-C.
Other names: c.898A>G, p.Arg300Gly (NM_023010.4); short protein forms R300G, R313G.
Identifiers: ClinVar variation 1710635 (VCV001710635.5), dbSNP rs370487945, ClinGen allele CA10503239.